The following is an entry in ClinVar:

ClinVar aggregate classification (germline): Uncertain significance. Review status: criteria provided, multiple submitters, no conflicts (2 of 4 stars). 2 submissions from 2 submitters: Uncertain significance (2). Last evaluated 2026-07-22.

Conditions:
SEMA3D-related disorder. Also called: SEMA3D-related condition.

gnomAD v4.1: 13 of 1,602,796 alleles (0.00081%); highest among the groups gnomAD compares: African/African-American, 0.017%; no homozygotes.

Submissions (2):

PreventionGenetics, part of Exact Sciences
Classification: Uncertain significance for SEMA3D-related condition. Last evaluated: 2026-07-22. Review status: criteria provided, single submitter. Criteria: ACMG Guidelines, 2015. Collection method: clinical testing. Allele origin: germline.
Comment: The SEMA3D c.524A>G variant is predicted to result in the amino acid substitution p.Asn175Ser. To our knowledge, this variant has not been reported in the literature. This variant is reported in 0.025% of alleles in individuals of African descent in gnomAD. At this time, the clinical significance of this variant is uncertain due to the absence of conclusive functional and genetic evidence.

Ambry Genetics
Classification: Uncertain significance. Last evaluated: 2025-09-21. Review status: criteria provided, single submitter. Criteria: Ambry Variant Classification Scheme 2023. Collection method: clinical testing. Allele origin: germline.

NM_001384900.1(SEMA3D):c.524A>G (p.Asn175Ser)

Gene: SEMA3D (semaphorin 3D; minus strand). Cytogenetic location: 7q21.11.
Variant type: single nucleotide variant.
Coding change: c.524A>G on transcript NM_001384900.1 (MANE Select); coding-DNA position 524, A replaced by G.
Protein change: p.Asn175Ser; replaces asparagine 175 with serine.
Molecular consequence: missense variant.
Genome position (GRCh38, 1-based): chr7:85,068,256, T>C on the plus strand (A>G on the coding strand, the complement: SEMA3D is on the minus strand). VCF-style: chr7-85068256-T-C. GRCh37 (hg19) VCF-style: chr7-84697572-T-C.
Other names: c.524A>G, p.Asn175Ser (NM_001384901.1, NM_001384902.1, NM_001384903.1 and 1 more transcripts); short protein forms N175S.
Identifiers: ClinVar variation 3358612 (VCV003358612.3).